The following is an entry in ClinVar:

NM_004991.4(MECOM):c.1270A>G (p.Arg424Gly)

Gene: MECOM (MDS1 and EVI1 complex locus; minus strand). Cytogenetic location: 3q26.2.
Variant type: single nucleotide variant.
Coding change: c.1270A>G on transcript NM_004991.4 (MANE Select); coding-DNA position 1270, A replaced by G.
Protein change: p.Arg424Gly; replaces arginine 424 with glycine.
Molecular consequence: missense variant. On other transcripts: intron variant (2).
Genome position (GRCh38, 1-based): chr3:169,116,602, T>C on the plus strand (A>G on the coding strand, the complement: MECOM is on the minus strand). VCF-style: chr3-169116602-T-C. GRCh37 (hg19) VCF-style: chr3-168834390-T-C.
Other names: c.901A>G, p.Arg301Gly (NM_001105077.4); c.706A>G, p.Arg236Gly (NM_001105078.4, NM_001164000.2, NM_001205194.2 and 4 more transcripts); c.709A>G, p.Arg237Gly (NM_001163999.2, NM_001366467.2, NM_001366468.2 and 1 more transcripts); c.1270A>G, p.Arg424Gly (NM_001366466.2); c.1133-835A>G (NM_001366473.2); c.569-835A>G (NM_001366474.2); short protein forms R236G, R237G, R301G, R424G.
Identifiers: ClinVar variation 3344228 (VCV003344228.2).

ClinVar aggregate classification (germline): Uncertain significance. Review status: criteria provided, single submitter (1 of 4 stars). 2 submissions from 2 submitters: Uncertain significance (1). 1 of the submissions does not count toward it. Last evaluated 2025-01-13.

Conditions:
MECOM-related disorder. Also called: MECOM-related condition.
Inborn genetic diseases. Identifiers: MedGen C0950123, MeSH D030342.

gnomAD v4.1: 9 of 1,614,112 alleles (0.00056%); highest among the groups gnomAD compares: South Asian, 0.0099%; no homozygotes.

Submissions (2):

Ambry Genetics
Classification: Uncertain significance for Inborn genetic diseases. Last evaluated: 2025-01-13. Review status: criteria provided, single submitter. Criteria: Ambry Variant Classification Scheme 2023. Collection method: clinical testing. Allele origin: germline.
Comment: The p.R424G variant (also known as c.1270A>G), located in coding exon 8 of the MECOM gene, results from an A to G substitution at nucleotide position 1270. The arginine at codon 424 is replaced by glycine, an amino acid with dissimilar properties. This amino acid position is conserved. In addition, this alteration is predicted to be deleterious by in silico analysis. Based on the available evidence, the clinical significance of this variant remains unclear.

PreventionGenetics, part of Exact Sciences
Classification: Uncertain significance for MECOM-related condition. Last evaluated: 2024-05-16. Review status: no assertion criteria provided. Collection method: clinical testing. Allele origin: germline. Not counted in ClinVar's aggregate classification.
Comment: The MECOM c.1270A>G variant is predicted to result in the amino acid substitution p.Arg424Gly. To our knowledge, this variant has not been reported in the literature. This variant is reported in 0.0098% of alleles in individuals of South Asian descent in gnomAD. At this time, the clinical significance of this variant is uncertain due to the absence of conclusive functional and genetic evidence.